The following is an entry in ClinVar:

NM_000222.3(KIT):c.221C>T (p.Thr74Met)

Gene: KIT (KIT proto-oncogene, receptor tyrosine kinase; plus strand). Cytogenetic location: 4q12.
Variant type: single nucleotide variant.
Coding change: c.221C>T on transcript NM_000222.3 (MANE Select); coding-DNA position 221, C replaced by T.
Protein change: p.Thr74Met; replaces threonine 74 with methionine.
Molecular consequence: missense variant.
Genome position (GRCh38, 1-based): chr4:54,695,665, C>T. VCF-style: chr4-54695665-C-T. GRCh37 (hg19) VCF-style: chr4-55561831-C-T.
Other names: c.221C>T, p.Thr74Met (NM_001093772.2, NM_001385284.1, NM_001385285.1 and 4 more transcripts); short protein forms T74M.
Identifiers: ClinVar variation 528543 (VCV000528543.12), dbSNP rs147943899, ClinGen allele CA2923189.

ClinVar aggregate classification (germline): Conflicting classifications of pathogenicity. Review status: criteria provided, conflicting classifications (1 of 4 stars). 2 submissions from 2 submitters: Uncertain significance (1); Likely benign (1). Last evaluated 2025-10-11.

Conditions:
Hereditary cancer-predisposing syndrome. Also called: Tumor predisposition; Hereditary neoplastic syndrome; Hereditary Cancer Syndrome; Neoplastic Syndromes, Hereditary. Identifiers: Orphanet 140162, MedGen C0027672, MeSH D009386, MONDO:0015356.
Gastrointestinal stromal tumor. Also called: Gastrointestinal stroma tumor; Gastrointestinal stromal tumor, somatic. Identifiers: Orphanet 44890, MedGen C0238198, MeSH D046152, MONDO:0011719, OMIM 606764, HP:0100723.

Allele frequency attached by ClinVar (database versions not stated): ExAC 0.00002; gnomAD 0.00002 and 0.00003; gnomAD exomes 0.00002; TOPMed 0.00003; ESP Exome Variant Server 0.00008.
gnomAD v4.1: 22 of 1,614,046 alleles (0.0014%); highest among the groups gnomAD compares: African/African-American, 0.004%; no homozygotes.

Submissions (2):

Labcorp Genetics (formerly Invitae), Labcorp
Classification: Uncertain significance for Gastrointestinal stromal tumor. Last evaluated: 2025-10-11. Review status: criteria provided, single submitter. Criteria: Invitae Variant Classification Sherloc (09022015). Collection method: clinical testing. Allele origin: germline.
Comment: This sequence change replaces threonine, which is neutral and polar, with methionine, which is neutral and non-polar, at codon 74 of the KIT protein (p.Thr74Met). This variant is present in population databases (rs147943899, gnomAD 0.01%). This variant has not been reported in the literature in individuals affected with KIT-related conditions. ClinVar contains an entry for this variant (Variation ID: 528543). An algorithm developed to predict the effect of missense changes on protein structure and function outputs the following: PolyPhen-2: "Benign". The methionine amino acid residue is found in multiple mammalian species, which suggests that this missense change does not adversely affect protein function. In summary, the available evidence is currently insufficient to determine the role of this variant in disease. Therefore, it has been classified as a Variant of Uncertain Significance.

Ambry Genetics
Classification: Likely benign for Hereditary cancer-predisposing syndrome. Last evaluated: 2022-12-12. Review status: criteria provided, single submitter. Criteria: Ambry Variant Classification Scheme 2023. Collection method: clinical testing. Allele origin: germline.